The following is an entry in ClinVar:

ClinVar aggregate classification (germline): Conflicting classifications of pathogenicity. Review status: criteria provided, conflicting classifications (1 of 4 stars). 9 submissions from 9 submitters: Uncertain significance (1); Likely benign (7). 1 of the submissions does not count toward it. Last evaluated 2026-09-21.

Conditions:
TTN-related disorder. Also called: TTN-related disorders; TTN-related condition; TTN-related disease.
Cardiovascular phenotype. Identifiers: MedGen CN230736.
Dilated cardiomyopathy 1G (CMD1G). Identifiers: Orphanet 154, MedGen C1858763, MONDO:0011400, OMIM 604145.
Autosomal recessive limb-girdle muscular dystrophy type 2J (LGMDR10). Also called: Limb-girdle muscular dystrophy, type 2J; MUSCULAR DYSTROPHY, LIMB-GIRDLE, AUTOSOMAL RECESSIVE 10. Identifiers: Orphanet 140922, MedGen C1837342, MONDO:0012127, OMIM 608807.

Allele frequency attached by ClinVar (database versions not stated): gnomAD 0.00015 and 0.00016; TOPMed 0.00015; gnomAD exomes 0.00001 and 0.00004; 1000 Genomes Project 30x 0.00016; ExAC 0.00003; ESP Exome Variant Server 0.00016; 1000 Genomes Project 0.00020.
gnomAD v4.1: 43 of 1,613,686 alleles (0.0027%); highest among the groups gnomAD compares: African/African-American, 0.044%; no homozygotes.

Submissions (9):

Molecular Diagnostic Laboratory for Inherited Cardiovascular Disease, Montreal Heart Institute
Classification: Likely benign. Last evaluated: 2026-09-21. Review status: criteria provided, single submitter. Criteria: ACMG Guidelines, 2015. Collection method: clinical testing. Allele origin: germline. Affected: no.

Labcorp Genetics (formerly Invitae), Labcorp
Classification: Likely benign for Dilated cardiomyopathy 1G; Autosomal recessive limb-girdle muscular dystrophy type 2J. Last evaluated: 2025-12-09. Review status: criteria provided, single submitter. Criteria: Invitae Variant Classification Sherloc (09022015). Collection method: clinical testing. Allele origin: germline.

Revvity Omics, Revvity
Classification: Likely benign. Last evaluated: 2023-09-23. Review status: criteria provided, single submitter. Criteria: ACMG Guidelines, 2015. Collection method: clinical testing. Allele origin: germline.

Ambry Genetics
Classification: Likely benign for Cardiovascular phenotype. Last evaluated: 2021-05-28. Review status: criteria provided, single submitter. Criteria: Ambry Variant Classification Scheme 2023. Collection method: clinical testing. Allele origin: germline.

GeneDx
Classification: Likely benign. Last evaluated: 2020-12-14. Review status: criteria provided, single submitter. Criteria: GeneDx Variant Classification Process June 2021. Collection method: clinical testing. Allele origin: germline. Affected: yes.

Eurofins Ntd Llc (ga)
Classification: Uncertain significance. Last evaluated: 2018-07-24. Review status: criteria provided, single submitter. Criteria: EGL ClinVar v180209 classification definitions. Collection method: clinical testing. Allele origin: germline. Observed: 1 variant allele, 1 heterozygote.

Blueprint Genetics
Classification: Likely benign. Last evaluated: 2017-06-28. Review status: criteria provided, single submitter. Criteria: ACMG Guidelines, 2015. Collection method: clinical testing. Allele origin: germline.

Athena Diagnostics
Classification: Likely benign. Last evaluated: 2017-05-05. Review status: criteria provided, single submitter. Criteria: Athena Diagnostics Criteria. Collection method: clinical testing. Allele origin: germline.

PreventionGenetics, part of Exact Sciences
Classification: Likely benign for TTN-related condition. Last evaluated: 2022-06-29. Review status: no assertion criteria provided. Collection method: clinical testing. Allele origin: germline. Not counted in ClinVar's aggregate classification.
Comment: This variant is classified as likely benign based on ACMG/AMP sequence variant interpretation guidelines (Richards et al. 2015 PMID: 25741868, with internal and published modifications).

NM_001267550.2(TTN):c.96138A>T (p.Ile32046=)

Genes: TTN (titin; minus strand), TTN-AS1 (TTN antisense RNA 1; plus strand), LOC126806421 (CDK7 strongly-dependent group 2 enhancer GRCh37_chr2:179407630-179408829; plus strand). Cytogenetic location: 2q31.2.
Variant type: single nucleotide variant.
Coding change: c.96138A>T on transcript NM_001267550.2 (MANE Select); coding-DNA position 96138, A replaced by T.
Protein change: p.Ile32046=; no amino-acid change (isoleucine 32046 retained).
Molecular consequence: synonymous variant.
Genome position (GRCh38, 1-based): chr2:178,544,006, T>A on the plus strand (A>T on the coding strand, the complement: TTN is on the minus strand). VCF-style: chr2-178544006-T-A. GRCh37 (hg19) VCF-style: chr2-179408733-T-A.
Other names: c.96138A>T (LRG_391t1); c.91215A>T, p.Ile30405= (NM_001256850.1); c.68943A>T, p.Ile22981= (NM_003319.4); c.88434A>T, p.Ile29478= (NM_133378.4); c.69318A>T, p.Ile23106= (NM_133432.3); c.69519A>T, p.Ile23173= (NM_133437.4).
Identifiers: ClinVar variation 448834 (VCV000448834.27), dbSNP rs368154623, ClinGen allele CA1986814.